The following is an entry in ClinVar:

NM_004618.5(TOP3A):c.315-6_315-5del

Gene: TOP3A (DNA topoisomerase III alpha; minus strand). Cytogenetic location: 17p11.2.
Variant type: Deletion.
Coding change: c.315-6_315-5del on transcript NM_004618.5 (MANE Select); 6 bases into the intron before coding-DNA position 315 through 5 bases into the intron before coding-DNA position 315, 2 bases deleted (TT; older notation c.315-6_315-5delTT).
Molecular consequence: intron variant.
Genome position (GRCh38, 1-based): chr17:18,306,971-18,306,972, AA deleted on the plus strand (TT on the coding strand, the reverse complement: TOP3A is on the minus strand); deleting any 2 consecutive bases within chr17:18,306,971-18,306,974 gives the same sequence; the c. name uses the placement nearest the transcript's 3' end. VCF-style (leftmost placement, unchanged base first): chr17-18306970-GAA-G. GRCh37 (hg19) VCF-style: chr17-18210284-GAA-G.
Other names: NC_000017.10:g.18210287_18210288del; c.30-6_30-5del (NM_001320759.2); c.315-8_315-7del (NM_004618.5).
Identifiers: ClinVar variation 1631531 (VCV001631531.11), dbSNP rs72464530, ClinGen allele CA8430266.

ClinVar aggregate classification (germline): Benign. Review status: criteria provided, single submitter (1 of 4 stars). 2 submissions from 2 submitters: Benign (1). 1 of the submissions does not count toward it. Last evaluated 2026-02-01.

Conditions:
TOP3A-related disorder. Also called: TOP3A-related condition; TOP3A-related disorders.

Submissions (15):

Labcorp Genetics (formerly Invitae), Labcorp
Classification: Benign. Last evaluated: 2026-02-01. Review status: criteria provided, single submitter. Criteria: Invitae Variant Classification Sherloc (09022015). Collection method: clinical testing. Allele origin: germline.

PreventionGenetics, part of Exact Sciences
Classification: Benign for TOP3A-related condition. Last evaluated: 2019-05-02. Review status: no assertion criteria provided. Collection method: clinical testing. Allele origin: germline. Not counted in ClinVar's aggregate classification.
Comment: This variant is classified as benign based on ACMG/AMP sequence variant interpretation guidelines (Richards et al. 2015 PMID: 25741868, with internal and published modifications).

Dr. Peter K. Rogan Lab, Western University
No classification provided (evidence only). Condition: Familial cancer of breast. Review status: no classification provided. Collection method: in vitro. Allele origin: not applicable. Functional consequence: skipped exon. Not counted in ClinVar's aggregate classification.

Dr. Peter K. Rogan Lab, Western University
No classification provided (evidence only). Condition: Familial cancer of breast. Review status: no classification provided. Collection method: in vitro. Allele origin: not applicable. Functional consequence: skipped exon. Not counted in ClinVar's aggregate classification.

Dr. Peter K. Rogan Lab, Western University
No classification provided (evidence only). Condition: Cholangiocarcinoma. Review status: no classification provided. Collection method: in vitro. Allele origin: not applicable. Functional consequence: skipped exon. Not counted in ClinVar's aggregate classification.

Dr. Peter K. Rogan Lab, Western University
No classification provided (evidence only). Condition: Malignant lymphoma, large B-cell, diffuse. Review status: no classification provided. Collection method: in vitro. Allele origin: not applicable. Functional consequence: retained intron. Not counted in ClinVar's aggregate classification.

Dr. Peter K. Rogan Lab, Western University
No classification provided (evidence only). Condition: Clear cell carcinoma of kidney. Review status: no classification provided. Collection method: in vitro. Allele origin: not applicable. Functional consequence: retained intron. Not counted in ClinVar's aggregate classification.

Dr. Peter K. Rogan Lab, Western University
No classification provided (evidence only). Condition: Melanoma. Review status: no classification provided. Collection method: in vitro. Allele origin: not applicable. Functional consequence: retained intron. Not counted in ClinVar's aggregate classification.

Dr. Peter K. Rogan Lab, Western University
No classification provided (evidence only). Condition: Melanoma. Review status: no classification provided. Collection method: in vitro. Allele origin: not applicable. Functional consequence: retained intron. Not counted in ClinVar's aggregate classification.

Dr. Peter K. Rogan Lab, Western University
No classification provided (evidence only). Condition: Melanoma. Review status: no classification provided. Collection method: in vitro. Allele origin: not applicable. Functional consequence: skipped exon, retained intron. Not counted in ClinVar's aggregate classification.

Dr. Peter K. Rogan Lab, Western University
No classification provided (evidence only). Condition: Uveal melanoma. Review status: no classification provided. Collection method: in vitro. Allele origin: not applicable. Functional consequence: retained intron. Not counted in ClinVar's aggregate classification.

Dr. Peter K. Rogan Lab, Western University
No classification provided (evidence only). Condition: Malignant tumor of esophagus. Review status: no classification provided. Collection method: in vitro. Allele origin: not applicable. Functional consequence: retained intron. Not counted in ClinVar's aggregate classification.

Dr. Peter K. Rogan Lab, Western University
No classification provided (evidence only). Condition: Malignant tumor of esophagus. Review status: no classification provided. Collection method: in vitro. Allele origin: not applicable. Functional consequence: skipped exon. Not counted in ClinVar's aggregate classification.

Dr. Peter K. Rogan Lab, Western University
No classification provided (evidence only). Condition: Malignant tumor of esophagus. Review status: no classification provided. Collection method: in vitro. Allele origin: not applicable. Functional consequence: skipped exon. Not counted in ClinVar's aggregate classification.

Dr. Peter K. Rogan Lab, Western University
No classification provided (evidence only). Condition: Lymphoma. Review status: no classification provided. Collection method: in vitro. Allele origin: not applicable. Functional consequence: retained intron. Not counted in ClinVar's aggregate classification.